The following is an entry in ClinVar:

NM_024757.5(EHMT1):c.470G>T (p.Gly157Val)

Gene: EHMT1 (euchromatic histone lysine methyltransferase 1; plus strand). Cytogenetic location: 9q34.3.
Variant type: single nucleotide variant.
Coding change: c.470G>T on transcript NM_024757.5 (MANE Select); coding-DNA position 470, G replaced by T.
Protein change: p.Gly157Val; replaces glycine 157 with valine.
Molecular consequence: missense variant.
Genome position (GRCh38, 1-based): chr9:137,717,010, G>T. VCF-style: chr9-137717010-G-T. GRCh37 (hg19) VCF-style: chr9-140611462-G-T.
Other names: c.470G>T, p.Gly157Val (NM_001145527.2, NM_001354263.2, NM_001354611.2); c.377G>T, p.Gly126Val (NM_001354259.2, NM_001354612.2); short protein forms G126V, G157V.
Identifiers: ClinVar variation 3717640 (VCV003717640.2).
Genomic context (GRCh38, chr9:137,717,010, plus strand): 5'-TGAGGACTACCAGCACTCTGGCCTCTTCGCTGCCTGGCCATGCTGCAAAAACCCTTCCTG[G>T]AGGGGCTGGCAAAGGCAGGACTCCAAGCGCTTTTCCCCAGACGCCAGCCGCCCCACCAGC-3'
Protein context (NP_079033.4, residues 147-167): LPGHAAKTLP[Gly157Val]GAGKGRTPSA

ClinVar aggregate classification (germline): Uncertain significance (1 of 4 stars; one submission).

Conditions:
Kleefstra syndrome 1 (KLEFS1). Identifiers: Orphanet 261494, MedGen C0795833, MONDO:0027407, OMIM 610253.

Submission:

Labcorp Genetics (formerly Invitae), Labcorp
Classification: Uncertain significance for Kleefstra syndrome 1. Last evaluated: 2024-09-17. Review status: criteria provided, single submitter. Criteria: Invitae Variant Classification Sherloc (09022015). Collection method: clinical testing. Allele origin: germline.
Comment: This sequence change replaces glycine, which is neutral and non-polar, with valine, which is neutral and non-polar, at codon 157 of the EHMT1 protein (p.Gly157Val). This variant is not present in population databases (gnomAD no frequency). This variant has not been reported in the literature in individuals affected with EHMT1-related conditions. An algorithm developed to predict the effect of missense changes on protein structure and function (PolyPhen-2) suggests that this variant is likely to be tolerated. In summary, the available evidence is currently insufficient to determine the role of this variant in disease. Therefore, it has been classified as a Variant of Uncertain Significance.